The following is an entry in ClinVar:

NM_000271.5(NPC1):c.1947+13_1947+14insGGC

Gene: NPC1 (NPC intracellular cholesterol transporter 1; minus strand). Cytogenetic location: 18q11.2.
Variant type: Insertion.
Coding change: c.1947+13_1947+14insGGC on transcript NM_000271.5 (MANE Select); bases 13 to 14 of the intron after coding-DNA position 1947, GGC inserted.
Molecular consequence: intron variant.
Genome position: GRCh38 VCF-style: chr18-23544946-C-CCCG. GRCh37 (hg19) VCF-style: chr18-21124910-C-CCCG.
Other names: c.1947+13_1947+14insCGG (NM_000271.4).
Identifiers: ClinVar variation 1570799 (VCV001570799.11), dbSNP rs771098370, ClinGen allele CA8913300.

ClinVar aggregate classification (germline): Likely benign. Review status: criteria provided, multiple submitters, no conflicts (2 of 4 stars). 3 submissions from 3 submitters: Likely benign (2). 1 of the submissions does not count toward it. Last evaluated 2026-01-17.

Conditions:
NPC1-related disorder. Also called: NPC1-related condition.
Niemann-Pick disease, type C1. Also called: NEUROVISCERAL STORAGE DISEASE WITH VERTICAL SUPRANUCLEAR OPHTHALMOPLEGIA; NIEMANN-PICK DISEASE WITH CHOLESTEROL ESTERIFICATION BLOCK; NIEMANN-PICK DISEASE WITHOUT SPHINGOMYELINASE DEFICIENCY; NIEMANN-PICK DISEASE, CHRONIC NEURONOPATHIC FORM; NIEMANN-PICK DISEASE, VARIANT TYPE C1. Identifiers: Orphanet 646, MedGen C3179455, MONDO:0009757, OMIM 257220.

Submissions (3):

Labcorp Genetics (formerly Invitae), Labcorp
Classification: Likely benign for Niemann-Pick disease, type C1. Last evaluated: 2026-01-17. Review status: criteria provided, single submitter. Criteria: Invitae Variant Classification Sherloc (09022015). Collection method: clinical testing. Allele origin: germline.

Blueprint Genetics
Classification: Likely benign. Last evaluated: 2024-10-07. Review status: criteria provided, single submitter. Criteria: ACMG Guidelines, 2015. Collection method: clinical testing. Allele origin: germline.

PreventionGenetics, part of Exact Sciences
Classification: Likely benign for NPC1-related condition. Last evaluated: 2022-11-09. Review status: no assertion criteria provided. Collection method: clinical testing. Allele origin: germline. Not counted in ClinVar's aggregate classification.
Comment: This variant is classified as likely benign based on ACMG/AMP sequence variant interpretation guidelines (Richards et al. 2015 PMID: 25741868, with internal and published modifications).